The following is an entry in ClinVar:

ClinVar aggregate classification (germline): Uncertain significance (1 of 4 stars; one submission).

Submission:

GeneDx
Classification: Uncertain significance. Last evaluated: 2025-01-21. Review status: criteria provided, single submitter. Criteria: GeneDx Variant Classification Process June 2021. Collection method: clinical testing. Allele origin: germline. Affected: yes.
Comment: Not observed at significant frequency in large population cohorts (gnomAD); In silico analysis indicates that this missense variant does not alter protein structure/function; Has not been previously published as pathogenic or benign to our knowledge

NM_001009944.3(PKD1):c.11890A>G (p.Thr3964Ala)

Gene: PKD1 (polycystin 1, transient receptor potential channel interacting; minus strand). Cytogenetic location: 16p13.3.
Variant type: single nucleotide variant.
Coding change: c.11890A>G on transcript NM_001009944.3 (MANE Select); coding-DNA position 11890, A replaced by G.
Protein change: p.Thr3964Ala; replaces threonine 3964 with alanine.
Molecular consequence: missense variant.
Genome position (GRCh38, 1-based): chr16:2,090,997, T>C on the plus strand (A>G on the coding strand, the complement: PKD1 is on the minus strand). VCF-style: chr16-2090997-T-C. GRCh37 (hg19) VCF-style: chr16-2140998-T-C.
Other names: c.11887A>G, p.Thr3963Ala (NM_000296.4); short protein forms T3963A, T3964A.
Identifiers: ClinVar variation 4071692 (VCV004071692.1).